The following is an entry in ClinVar:

NM_197968.4(ZMYM2):c.2075A>G (p.Glu692Gly)

Gene: ZMYM2 (zinc finger MYM-type containing 2; plus strand). Cytogenetic location: 13q12.11.
Variant type: single nucleotide variant.
Coding change: c.2075A>G on transcript NM_197968.4 (MANE Select); coding-DNA position 2075, A replaced by G.
Protein change: p.Glu692Gly; replaces glutamic acid 692 with glycine.
Molecular consequence: missense variant. On other transcripts: non-coding transcript variant (1).
Genome position (GRCh38, 1-based): chr13:20,034,360, A>G. VCF-style: chr13-20034360-A-G. GRCh37 (hg19) VCF-style: chr13-20608500-A-G.
Other names: c.2075A>G, p.Glu692Gly (NM_001190964.4, NM_001190965.4, NM_001353157.2 and 5 more transcripts); c.1880A>G, p.Glu627Gly (NM_001353161.3); c.1814A>G, p.Glu605Gly (NM_001353163.2); short protein forms E605G, E692G, E627G.
Identifiers: ClinVar variation 5009154 (VCV005009154.1).
Genomic context (GRCh38, chr13:20,034,360, plus strand): 5'-AGAAGTTGCATTGCATAGTTACATATTGCGAATACTGTCAAGAGGAGAAGACTCTTCATG[A>G]AACAGTAAATTTCTCTGGCGTTAAGAGACCTTTCTGTAGTGAAGGCAAGTTGCATATACA-3'
Protein context (NP_932072.1, residues 682-702): EYCQEEKTLH[Glu692Gly]TVNFSGVKRP

ClinVar aggregate classification (germline): Uncertain significance (1 of 4 stars; one submission).

Submission:

GeneDx
Classification: Uncertain significance. Last evaluated: 2026-03-17. Review status: criteria provided, single submitter. Criteria: GeneDx Variant Classification Process June 2021. Collection method: clinical testing. Allele origin: germline.
Comment: Not observed at significant frequency in large population cohorts (gnomAD); In silico analysis supports that this missense variant has a deleterious effect on protein structure/function; Has not been previously published as pathogenic or benign to our knowledge